The following is an entry in ClinVar:

ClinVar aggregate classification (germline): Uncertain significance (1 of 4 stars; one submission).

Conditions:
Developmental and epileptic encephalopathy, 53. Also called: Epileptic encephalopathy, early infantile, 53. Identifiers: MedGen C4479313, MONDO:0033362, OMIM 617389.
Early-onset Parkinson disease 20. Also called: PARKINSON DISEASE 20, AUTOSOMAL RECESSIVE EARLY-ONSET. Identifiers: Orphanet 391411, MedGen C3809824, MONDO:0014233, OMIM 615530.

Allele frequency attached by ClinVar (database versions not stated): gnomAD exomes below 0.00001; TOPMed 0.00001.
gnomAD v4.1: 3 of 1,609,414 alleles (0.00019%); highest among the groups gnomAD compares: Middle Eastern, 0.017%; no homozygotes.

Submission:

Labcorp Genetics (formerly Invitae), Labcorp
Classification: Uncertain significance for Developmental and epileptic encephalopathy, 53; Early-onset Parkinson disease 20. Last evaluated: 2022-03-19. Review status: criteria provided, single submitter. Criteria: Invitae Variant Classification Sherloc (09022015). Collection method: clinical testing. Allele origin: germline.
Comment: In summary, the available evidence is currently insufficient to determine the role of this variant in disease. Therefore, it has been classified as a Variant of Uncertain Significance. Algorithms developed to predict the effect of missense changes on protein structure and function (SIFT, PolyPhen-2, Align-GVGD) all suggest that this variant is likely to be tolerated. This variant has not been reported in the literature in individuals affected with SYNJ1-related conditions. This variant is present in population databases (no rsID available, gnomAD no frequency). This sequence change replaces asparagine, which is neutral and polar, with serine, which is neutral and polar, at codon 1348 of the SYNJ1 protein (p.Asn1348Ser).

NM_203446.3(SYNJ1):c.*14A>G

Gene: SYNJ1 (synaptojanin 1; minus strand). Cytogenetic location: 21q22.11.
Variant type: single nucleotide variant.
Coding change: c.*14A>G on transcript NM_203446.3 (MANE Select); 14 bases downstream of the stop codon, A replaced by G.
Molecular consequence: 3 prime UTR variant. On other transcripts: missense variant (2).
Genome position (GRCh38, 1-based): chr21:32,631,791, T>C on the plus strand (A>G on the coding strand, the complement: SYNJ1 is on the minus strand). VCF-style: chr21-32631791-T-C. GRCh37 (hg19) VCF-style: chr21-34004101-T-C.
Other names: c.*14A>G (NM_001160302.2); c.3785A>G, p.Asn1262Ser (NM_001160306.2); c.4043A>G, p.Asn1348Ser (NM_003895.4); short protein forms N1348S, N1262S.
Identifiers: ClinVar variation 1451114 (VCV001451114.4), dbSNP rs1274914337, ClinGen allele CA410083818.